The following is an entry in ClinVar:

NM_001101426.4(CRPPA):c.789G>A (p.Lys263=)

Gene: CRPPA (CDP-L-ribitol pyrophosphorylase A; minus strand). Cytogenetic location: 7p21.2.
Variant type: single nucleotide variant.
Coding change: c.789G>A on transcript NM_001101426.4 (MANE Select); coding-DNA position 789, G replaced by A.
Protein change: p.Lys263=; no amino-acid change (lysine 263 retained).
Molecular consequence: synonymous variant. On other transcripts: intron variant (1).
Genome position (GRCh38, 1-based): chr7:16,308,523, C>T on the plus strand (G>A on the coding strand, the complement: CRPPA is on the minus strand). VCF-style: chr7-16308523-C-T. GRCh37 (hg19) VCF-style: chr7-16348148-C-T.
Other names: c.639G>A, p.Lys213= (NM_001101417.4); c.685-7057G>A (NM_001368197.1).
Identifiers: ClinVar variation 2572373 (VCV002572373.1), dbSNP rs776803163, ClinGen allele CA4169506.

ClinVar aggregate classification (germline): Likely pathogenic (1 of 4 stars; one submission).

Conditions:
CRPPA-related disorder.

Submission:

Greenwood Genetic Center Diagnostic Laboratories, Greenwood Genetic Center
Classification: Likely pathogenic for CRPPA-related disorder. Last evaluated: 2023-04-27. Review status: criteria provided, single submitter. Criteria: ACMG Guidelines, 2015. Collection method: clinical testing. Allele origin: germline. Affected: yes.
Comment: PM2, PM3, PS3_Supporting, PP3